The following is an entry in ClinVar:

ClinVar aggregate classification (germline): Likely benign. Review status: criteria provided, multiple submitters, no conflicts (2 of 4 stars). 2 submissions from 2 submitters: Likely benign (2). Last evaluated 2025-08-21.

Conditions:
Long QT syndrome (LQTS). Identifiers: MedGen C0023976, MeSH D008133, MONDO:0002442. Disease mechanism: loss of function. Inheritance: Various modes of inheritance.

Allele frequency attached by ClinVar (database versions not stated): gnomAD 0.00001.
gnomAD v4.1: 1 of 1,613,862 alleles (0.000062%); highest among the groups gnomAD compares: African/African-American, 0.0013%; no homozygotes.

Submissions (2):

Mayo Clinic Laboratories, Mayo Clinic
Classification: Likely benign. Last evaluated: 2025-08-21. Review status: criteria provided, single submitter. Criteria: ACMG Guidelines, 2015. Collection method: clinical testing. Allele origin: germline. Observed: 1 variant allele.
Comment: BP4, BP7

Labcorp Genetics (formerly Invitae), Labcorp
Classification: Likely benign for Long QT syndrome. Last evaluated: 2020-09-17. Review status: criteria provided, single submitter. Criteria: Invitae Variant Classification Sherloc (09022015). Collection method: clinical testing. Allele origin: germline.

NM_000719.7(CACNA1C):c.5928G>A (p.Gly1976=)

Genes: CACNA1C (calcium voltage-gated channel subunit alpha1 C; plus strand), CACNA1C-AS1 (CACNA1C antisense RNA 1; minus strand). Cytogenetic location: 12p13.33.
Variant type: single nucleotide variant.
Coding change: c.5928G>A on transcript NM_000719.7 (MANE Select); coding-DNA position 5928, G replaced by A.
Protein change: p.Gly1976=; no amino-acid change (glycine 1976 retained).
Molecular consequence: synonymous variant.
Genome position (GRCh38, 1-based): chr12:2,688,590, G>A. VCF-style: chr12-2688590-G-A. GRCh37 (hg19) VCF-style: chr12-2797756-G-A.
Other names: p.Gly1976=; c.6072G>A, p.Gly2024= (NM_001129827.2); c.6051G>A, p.Gly2017= (NM_001129829.2); c.6033G>A, p.Gly2011= (NM_001129830.3, NM_001167624.3); c.6012G>A, p.Gly2004= (NM_001129831.2); c.5988G>A, p.Gly1996= (NM_001129832.2); c.5985G>A, p.Gly1995= (NM_001129833.2, NM_001129834.2, NM_001129835.2); c.5979G>A, p.Gly1993= (NM_001129836.2); and 7 more.
Identifiers: ClinVar variation 1106052 (VCV001106052.10), dbSNP rs763979736, ClinGen allele CA478088118.